The following is an entry in ClinVar:

NM_007294.4(BRCA1):c.1313A>C (p.Glu438Ala)

Gene: BRCA1 (BRCA1 DNA repair associated; minus strand). Cytogenetic location: 17q21.31.
Variant type: single nucleotide variant.
Coding change: c.1313A>C on transcript NM_007294.4 (MANE Select); coding-DNA position 1313, A replaced by C.
Protein change: p.Glu438Ala; replaces glutamic acid 438 with alanine.
Molecular consequence: missense variant. On other transcripts: intron variant (137).
Genome position (GRCh38, 1-based): chr17:43,094,218, T>G on the plus strand (A>C on the coding strand, the complement: BRCA1 is on the minus strand). VCF-style: chr17-43094218-T-G. GRCh37 (hg19) VCF-style: chr17-41246235-T-G.
Other names: p.E438A:GAG>GCG; c.1310A>C, p.Glu437Ala (NM_001407613.1, NM_001407614.1, NM_001407615.1 and 22 more transcripts); c.1313A>C, p.Glu438Ala (NM_001407616.1, NM_001407617.1, NM_001407618.1 and 30 more transcripts); c.1235A>C, p.Glu412Ala (NM_001407654.1, NM_001407655.1, NM_001407656.1 and 4 more transcripts); c.1232A>C, p.Glu411Ala (NM_001407659.1, NM_001407660.1, NM_001407661.1 and 1 more transcripts); c.1187A>C, p.Glu396Ala (NM_001407673.1, NM_001407649.1, NM_001407670.1 and 11 more transcripts); c.1190A>C, p.Glu397Ala (NM_001407674.1, NM_001407675.1, NM_001407676.1 and 19 more transcripts); c.1172A>C, p.Glu391Ala (NM_001407692.1, NM_001407694.1, NM_001407695.1 and 29 more transcripts); and 41 more; short protein forms E438A, E391A, E310A, E326A, E327A, E367A, E371A, E397A.
Identifiers: ClinVar variation 182131 (VCV000182131.12), dbSNP rs730881470, ClinGen allele CA000858.
Genomic context (GRCh38, chr17:43,094,218, plus strand): 5'-TCTTCAATATTACTCTCTACTGATTTGGAGTGAACTCTTTCACTTTTACATATTAAAGCC[T>G]CATGAGGATCACTGGCCAGTAAGTCTATTTTCTCTGAAGAACCAGAATATTCATCTACCT-3'
Protein context (NP_009225.1, residues 428-448): KIDLLASDPH[Glu438Ala]ALICKSERVH

ClinVar aggregate classification (germline): Conflicting classifications of pathogenicity. Review status: criteria provided, conflicting classifications (1 of 4 stars). 4 submissions from 4 submitters: Uncertain significance (3); Likely benign (1). Last evaluated 2026-07-02.

Conditions:
Hereditary cancer-predisposing syndrome. Also called: Neoplastic Syndromes, Hereditary; Hereditary Cancer Syndrome; Tumor predisposition; Hereditary neoplastic syndrome. Identifiers: Orphanet 140162, MedGen C0027672, MeSH D009386, MONDO:0015356.
Hereditary breast ovarian cancer syndrome. Also called: Hereditary breast and/or ovarian cancer syndrome; Hereditary breast and ovarian cancer syndrome (HBOC); Hereditary breast and ovarian cancer; Hereditary breast and ovarian cancer syndrome; Breast and ovarian cancer; BRCA1- and BRCA2-Associated Hereditary Breast and Ovarian Cancer. Identifiers: Orphanet 145, MedGen C0677776, MeSH D061325, MONDO:0003582. Disease mechanism: loss of function.

Submissions (4):

Ambry Genetics
Classification: Uncertain significance for Hereditary cancer-predisposing syndrome. Last evaluated: 2026-07-02. Review status: criteria provided, single submitter. Criteria: Ambry Variant Classification Scheme 2023. Collection method: clinical testing. Allele origin: germline.
Comment: The p.E438A variant (also known as c.1313A>C), located in coding exon 9 of the BRCA1 gene, results from an A to C substitution at nucleotide position 1313. The glutamic acid at codon 438 is replaced by alanine, an amino acid with dissimilar properties. This amino acid position is conserved. In addition, the in silico prediction for this alteration is inconclusive. Based on the available evidence, the clinical significance of this variant remains unclear.

University of Washington Department of Laboratory Medicine, University of Washington
Classification: Likely benign for Hereditary cancer-predisposing syndrome. Last evaluated: 2023-03-23. Review status: criteria provided, single submitter. Criteria: Dines et al. (Genet Med. 2020). Collection method: curation. Allele origin: germline.
Comment: Missense variant in a coldspot region where missense variants are very unlikely to be pathogenic (PMID:31911673).

BRCA1 coldspot (exon 11 using historical exon numbering). Reclassification based on statistical prior probability

Labcorp Genetics (formerly Invitae), Labcorp
Classification: Uncertain significance for Hereditary breast ovarian cancer syndrome. Last evaluated: 2021-08-14. Review status: criteria provided, single submitter. Criteria: Invitae Variant Classification Sherloc (09022015). Collection method: clinical testing. Allele origin: germline.
Comment: ClinVar contains an entry for this variant (Variation ID: 182131). This variant has not been reported in the literature in individuals affected with BRCA1-related conditions. This variant is not present in population databases (ExAC no frequency). This sequence change replaces glutamic acid with alanine at codon 438 of the BRCA1 protein (p.Glu438Ala). The glutamic acid residue is weakly conserved and there is a moderate physicochemical difference between glutamic acid and alanine. Advanced modeling of protein sequence and biophysical properties (such as structural, functional, and spatial information, amino acid conservation, physicochemical variation, residue mobility, and thermodynamic stability) performed at Invitae indicates that this missense variant is not expected to disrupt BRCA1 protein function. In summary, the available evidence is currently insufficient to determine the role of this variant in disease. Therefore, it has been classified as a Variant of Uncertain Significance.

GeneDx
Classification: Uncertain significance. Last evaluated: 2014-03-31. Review status: criteria provided, single submitter. Criteria: GeneDx Variant Classification (06012015). Collection method: clinical testing. Allele origin: germline. Affected: yes.
Comment: This variant is denoted BRCA1 c.1313A>C at the cDNA level, p.Glu438Ala (E438A) at the protein level, and results in the change of a Glutamic Acid to an Alanine (GAG>GCG). This variant has not, to our knowledge, been published in the literature as pathogenic or benign. BRCA1 Glu438Ala was not observed in approximately 6,500 individuals of European and African American ancestry in the NHLBI Exome Sequencing Project, indicating it is not a common benign variant in these populations. This variant is a non-conservative substitution in which a negative polar amino acid is replaced with a neutral non-polar one, altering a position that is highly variable throughout evolution and is not located in a known functional domain. In silico analyses predict this variant to have a benign effect on protein structure and function. Based on the currently available information, we consider BRCA1 Glu438Ala to be a variant of uncertain significance.